The following is an entry in ClinVar:

ClinVar aggregate classification (germline): Uncertain significance (1 of 4 stars; one submission).

Conditions:
Hereditary pancreatitis (PCTT). Also called: PRSS1-Related Hereditary Pancreatitis; Hereditary chronic pancreatitis. Identifiers: Orphanet 676, MedGen C0238339, MONDO:0008185, OMIM 167800.

Submission:

Ambry Genetics
Classification: Uncertain significance for Hereditary pancreatitis. Last evaluated: 2023-07-05. Review status: criteria provided, single submitter. Criteria: Ambry Variant Classification Scheme 2023. Collection method: clinical testing. Allele origin: germline.
Comment: The p.R195T variant (also known as c.584G>C), located in coding exon 6 of the CTRC gene, results from a G to C substitution at nucleotide position 584. The arginine at codon 195 is replaced by threonine, an amino acid with similar properties. This amino acid position is conserved. In addition, this alteration is predicted to be tolerated by in silico analysis. Since supporting evidence is limited at this time, the clinical significance of this alteration remains unclear.

NM_007272.3(CTRC):c.584G>C (p.Arg195Thr)

Gene: CTRC (chymotrypsin C; plus strand). Cytogenetic location: 1p36.21.
Variant type: single nucleotide variant.
Coding change: c.584G>C on transcript NM_007272.3 (MANE Select); coding-DNA position 584, G replaced by C.
Protein change: p.Arg195Thr; replaces arginine 195 with threonine.
Molecular consequence: missense variant.
Genome position (GRCh38, 1-based): chr1:15,444,696, G>C. VCF-style: chr1-15444696-G-C. GRCh37 (hg19) VCF-style: chr1-15771191-G-C.
Other names: short protein forms R195T.
Identifiers: ClinVar variation 2626252 (VCV002626252.2), dbSNP rs2526301429, ClinGen allele CA338567298.